The following is an entry in ClinVar:

NM_006393.3(NEBL):c.2947A>G (p.Asn983Asp)

Gene: NEBL (nebulette; minus strand). Cytogenetic location: 10p12.31.
Variant type: single nucleotide variant.
Coding change: c.2947A>G on transcript NM_006393.3 (MANE Select); coding-DNA position 2947, A replaced by G.
Protein change: p.Asn983Asp; replaces asparagine 983 with aspartic acid.
Molecular consequence: missense variant. On other transcripts: 3 prime UTR variant (1).
Genome position (GRCh38, 1-based): chr10:20,785,845, T>C on the plus strand (A>G on the coding strand, the complement: NEBL is on the minus strand). VCF-style: chr10-20785845-T-C. GRCh37 (hg19) VCF-style: chr10-21074774-T-C.
Other names: c.*38A>G (NM_001173484.2); c.808A>G, p.Asn270Asp (NM_001377322.1); c.667A>G, p.Asn223Asp (NM_001377323.1); c.658A>G, p.Asn220Asp (NM_001377324.1); c.649A>G, p.Asn217Asp (NM_001377325.1); c.607A>G, p.Asn203Asp (NM_001377326.1, NM_001377327.1, NM_001377328.1); c.715A>G, p.Asn239Asp (NM_213569.2); short protein forms N203D, N217D, N220D, N223D, N239D, N270D, N983D.
Identifiers: ClinVar variation 1009533 (VCV001009533.9), dbSNP rs1835360345, ClinGen allele CA376092198.

ClinVar aggregate classification (germline): Uncertain significance (1 of 4 stars; one submission).

Conditions:
Primary dilated cardiomyopathy (DCM). Also called: Dilated Cardiomyopathy. Identifiers: Orphanet 217604, MedGen C0007193, MeSH D002311, MONDO:0005021, HP:0001644. Inheritance: Various modes of inheritance.

Submission:

Labcorp Genetics (formerly Invitae), Labcorp
Classification: Uncertain significance for Primary dilated cardiomyopathy. Last evaluated: 2020-03-06. Review status: criteria provided, single submitter. Criteria: Invitae Variant Classification Sherloc (09022015). Collection method: clinical testing. Allele origin: germline.
Comment: Algorithms developed to predict the effect of missense changes on protein structure and function are either unavailable or do not agree on the potential impact of this missense change (SIFT: "Tolerated"; PolyPhen-2: "Probably Damaging"; Align-GVGD: "Class C0"). In summary, the available evidence is currently insufficient to determine the role of this variant in disease. Therefore, it has been classified as a Variant of Uncertain Significance. This variant has not been reported in the literature in individuals with NEBL-related conditions. This variant is not present in population databases (ExAC no frequency). This sequence change replaces asparagine with aspartic acid at codon 983 of the NEBL protein (p.Asn983Asp). The asparagine residue is highly conserved and there is a small physicochemical difference between asparagine and aspartic acid.